The following is an entry in ClinVar:

NM_178466.5(BPIFA3):c.602C>T (p.Pro201Leu)

Gene: BPIFA3 (BPI fold containing family A member 3; plus strand). Cytogenetic location: 20q11.21.
Variant type: single nucleotide variant.
Coding change: c.602C>T on transcript NM_178466.5 (MANE Select); coding-DNA position 602, C replaced by T.
Protein change: p.Pro201Leu; replaces proline 201 with leucine.
Molecular consequence: missense variant.
Genome position (GRCh38, 1-based): chr20:33,226,471, C>T. VCF-style: chr20-33226471-C-T. GRCh37 (hg19) VCF-style: chr20-31814277-C-T.
Other names: c.602C>T, p.Pro201Leu (NM_001014978.1); c.494C>T, p.Pro165Leu (NM_001042439.2); short protein forms P165L, P201L.
Identifiers: ClinVar variation 3037591 (VCV003037591.2), dbSNP rs74640466, ClinGen allele CA9815336.

ClinVar aggregate classification (germline): Benign (0 of 4 stars; one submission).

Conditions:
BPIFA3-related disorder. Also called: BPIFA3-related condition.

Allele frequency attached by ClinVar (database versions not stated): gnomAD exomes 0.00190; ExAC 0.00531; gnomAD 0.00972; ESP Exome Variant Server 0.01023; TOPMed 0.01109; 1000 Genomes Project 30x 0.01655; 1000 Genomes Project 0.01657.

Submission:

PreventionGenetics, part of Exact Sciences
Classification: Benign for BPIFA3-related condition. Last evaluated: 2019-05-31. Review status: no assertion criteria provided. Collection method: clinical testing. Allele origin: germline.
Comment: This variant is classified as benign based on ACMG/AMP sequence variant interpretation guidelines (Richards et al. 2015 PMID: 25741868, with internal and published modifications).